The following is an entry in ClinVar:

NR_033294.2(SNORD118):n.98A>G

Genes: SNORD118 (small nucleolar RNA, C/D box 118; minus strand), TMEM107 (transmembrane protein 107; minus strand). Cytogenetic location: 17p13.1.
Variant type: single nucleotide variant.
Molecular consequence: non-coding transcript variant (on NR_033294.2). On other transcripts: 3 prime UTR variant (5).
Genome position: GRCh38 VCF-style: chr17-8173491-T-C. GRCh37 (hg19) VCF-style: chr17-8076809-T-C.
Other names: c.*712A>G (NM_001351278.2, NM_001351279.2, NM_001351280.2 and 2 more transcripts).
Identifiers: ClinVar variation 1505111 (VCV001505111.6), dbSNP rs762385657, ClinGen allele CA8370635.

ClinVar aggregate classification (germline): Uncertain significance (1 of 4 stars; one submission).

Allele frequency attached by ClinVar (database versions not stated): 1000 Genomes Project 30x 0.00016.
gnomAD v4.1: 59 of 765,134 alleles (0.0077%); highest among the groups gnomAD compares: South Asian, 0.024%; no homozygotes.

Submission:

Labcorp Genetics (formerly Invitae), Labcorp
Classification: Uncertain significance. Last evaluated: 2025-11-26. Review status: criteria provided, single submitter. Criteria: Invitae Variant Classification Sherloc (09022015). Collection method: clinical testing. Allele origin: germline.
Comment: This variant occurs in the SNORD118 gene, which encodes an RNA molecule that does not result in a protein product. This variant is present in population databases (rs762385657, gnomAD 0.03%). This variant has not been reported in the literature in individuals affected with SNORD118-related conditions. ClinVar contains an entry for this variant (Variation ID: 1505111). Experimental studies and prediction algorithms are not available or were not evaluated, and the functional significance of this variant is currently unknown. In summary, the available evidence is currently insufficient to determine the role of this variant in disease. Therefore, it has been classified as a Variant of Uncertain Significance.